The following is an entry in ClinVar:

NM_002878.4(RAD51D):c.*9GTT[1]

Genes: RAD51D (RAD51 paralog D; minus strand), RAD51L3-RFFL (RAD51L3-RFFL readthrough; minus strand). Cytogenetic location: 17q12.
Variant type: Microsatellite.
Coding change: c.*9GTT[1] on transcript NM_002878.4 (MANE Select); one copy of the 3-base unit GTT starting at c.*9; the reference has two copies in a row; one copy, 3 bases deleted.
Molecular consequence: 3 prime UTR variant. On other transcripts: non-coding transcript variant (2).
Genome position (GRCh38, 1-based): chr17:35,100,939-35,100,941, AAC deleted on the plus strand (GTT on the coding strand, the reverse complement: RAD51D is on the minus strand); deleting any 3 consecutive bases within chr17:35,100,939-35,100,945 gives the same sequence; the position shown is the placement nearest the transcript's 3' end. VCF-style (leftmost placement, unchanged base first): chr17-35100938-AAAC-A. GRCh37 (hg19) VCF-style: chr17-33427957-AAAC-A.
Other names: c.*9GTT[1] (NM_001142571.2, NM_133629.3); c.*12_*14delGTT (NM_002878.3).
Identifiers: ClinVar variation 421911 (VCV000421911.1), dbSNP rs745601646, ClinGen allele CA8499300.
Genomic context (GRCh38, chr17:35,100,938, plus strand): 5'-AACAGCAGGCGTTACTGGGAAGAAAAGTTGGGAGGGGTCCCCAATGCTTCCCTGTTTCCC[AAAC>A]AACAGCACAGGTCATGTCTGATCACCCTGTAATGTGGCACTCTGCTCTGAGGTCCCCCAG-3'

ClinVar aggregate classification (germline): Likely benign (1 of 4 stars; one submission).

Submission:

GeneDx
Classification: Likely benign. Last evaluated: 2016-08-02. Review status: criteria provided, single submitter. Criteria: GeneDx Variant Classification (06012015). Collection method: clinical testing. Allele origin: germline. Affected: yes.
Comment: This variant is considered likely benign or benign based on one or more of the following criteria: it is a conservative change, it occurs at a poorly conserved position in the protein, it is predicted to be benign by multiple in silico algorithms, and/or has population frequency not consistent with disease.